The following is an entry in ClinVar:

ClinVar aggregate classification (germline): Uncertain significance (1 of 4 stars; one submission).

gnomAD v4.1: 5 of 1,211,173 alleles (0.00041%); highest among the groups gnomAD compares: Admixed American, 0.0022%; no homozygotes.

Submission:

Labcorp Genetics (formerly Invitae), Labcorp
Classification: Uncertain significance. Last evaluated: 2022-07-01. Review status: criteria provided, single submitter. Criteria: Invitae Variant Classification Sherloc (09022015). Collection method: clinical testing. Allele origin: germline.
Comment: This variant has not been reported in the literature in individuals affected with DRP2-related conditions. In summary, the available evidence is currently insufficient to determine the role of this variant in disease. Therefore, it has been classified as a Variant of Uncertain Significance. Experimental studies and prediction algorithms are not available or were not evaluated, and the functional significance of this variant is currently unknown. This variant is present in population databases (no rsID available, gnomAD 0.004%). This sequence change creates a premature translational stop signal (p.Arg945*) in the DRP2 gene. While this is not anticipated to result in nonsense mediated decay, it is expected to disrupt the last 13 amino acid(s) of the DRP2 protein.

NM_001939.3(DRP2):c.2833C>T (p.Arg945Ter)

Gene: DRP2 (dystrophin related protein 2; plus strand). Cytogenetic location: Xq22.1.
Variant type: single nucleotide variant.
Coding change: c.2833C>T on transcript NM_001939.3 (MANE Select); coding-DNA position 2833, C replaced by T.
Protein change: p.Arg945Ter; replaces arginine 945 with a stop codon.
Molecular consequence: nonsense.
Genome position (GRCh38, 1-based): chrX:101,260,580, C>T. VCF-style: chrX-101260580-C-T. GRCh37 (hg19) VCF-style: chrX-100515569-C-T.
Other names: c.2599C>T, p.Arg867Ter (NM_001171184.2); short protein forms R867*, R945*.
Identifiers: ClinVar variation 1909357 (VCV001909357.5), dbSNP rs1259322036, ClinGen allele CA413915871.